The following is an entry in ClinVar:

NM_177972.3(TUB):c.1187A>G (p.His396Arg)

Genes: RIC3 (RIC3 acetylcholine receptor chaperone; minus strand), TUB (TUB bipartite transcription factor; plus strand). Cytogenetic location: 11p15.4.
Variant type: single nucleotide variant.
Coding change: c.1187A>G on transcript NM_177972.3 (MANE Select); coding-DNA position 1187, A replaced by G.
Protein change: p.His396Arg; replaces histidine 396 with arginine.
Molecular consequence: missense variant.
Genome position (GRCh38, 1-based): chr11:8,100,573, A>G. VCF-style: chr11-8100573-A-G. GRCh37 (hg19) VCF-style: chr11-8122120-A-G.
Other names: c.1352A>G (NM_003320.4); c.1352A>G, p.His451Arg (NM_003320.5); short protein forms H396R, H451R.
Identifiers: ClinVar variation 1038120 (VCV001038120.12), dbSNP rs771147672, ClinGen allele CA5871388.

ClinVar aggregate classification (germline): Uncertain significance. Review status: criteria provided, single submitter (1 of 4 stars). 2 submissions from 2 submitters: Uncertain significance (1). 1 of the submissions does not count toward it. Last evaluated 2024-10-25.

Conditions:
TUB-related disorder. Also called: TUB-related condition.

Allele frequency attached by ClinVar (database versions not stated): gnomAD 0.00001; gnomAD exomes 0.00001 and 0.00004; TOPMed 0.00003; ExAC 0.00006.
gnomAD v4.1: 14 of 1,614,046 alleles (0.00087%); highest among the groups gnomAD compares: Admixed American, 0.02%; 1 homozygote.

Submissions (2):

Labcorp Genetics (formerly Invitae), Labcorp
Classification: Uncertain significance. Last evaluated: 2024-10-25. Review status: criteria provided, single submitter. Criteria: Invitae Variant Classification Sherloc (09022015). Collection method: clinical testing. Allele origin: germline.
Comment: This sequence change replaces histidine, which is basic and polar, with arginine, which is basic and polar, at codon 451 of the TUB protein (p.His451Arg). This variant is present in population databases (rs771147672, gnomAD 0.03%). This variant has not been reported in the literature in individuals affected with TUB-related conditions. ClinVar contains an entry for this variant (Variation ID: 1038120). An algorithm developed to predict the effect of missense changes on protein structure and function (PolyPhen-2) suggests that this variant is likely to be disruptive. In summary, the available evidence is currently insufficient to determine the role of this variant in disease. Therefore, it has been classified as a Variant of Uncertain Significance.

PreventionGenetics, part of Exact Sciences
Classification: Uncertain significance for TUB-related condition. Last evaluated: 2024-06-17. Review status: no assertion criteria provided. Collection method: clinical testing. Allele origin: germline. Not counted in ClinVar's aggregate classification.
Comment: The TUB c.1352A>G variant is predicted to result in the amino acid substitution p.His451Arg. To our knowledge, this variant has not been reported in the literature. This variant is reported in 0.032% of alleles in individuals of Latino descent in gnomAD. At this time, the clinical significance of this variant is uncertain due to the absence of conclusive functional and genetic evidence.